The following is an entry in ClinVar:

ClinVar aggregate classification (germline): Uncertain significance. Review status: criteria provided, multiple submitters, no conflicts (2 of 4 stars). 6 submissions from 6 submitters: Uncertain significance (6). Last evaluated 2025-12-03.

Conditions:
Epiphyseal dysplasia, multiple, 2 (EDM2). Also called: COL9A2-Related Multiple Epiphyseal Dysplasia. Identifiers: MedGen C1838429, MONDO:0010844, OMIM 600204.
Stickler syndrome, type 5 (STL5). Also called: COL9A2-Related Stickler Syndrome. Identifiers: Orphanet 250984, Orphanet 828, MedGen C3280342, MONDO:0013666, OMIM 614284.
Stickler syndrome. Identifiers: Orphanet 828, MedGen C0265253, MONDO:0019354.
COL9A2-related disorder. Also called: COL9A2-related condition.

Allele frequency attached by ClinVar (database versions not stated): gnomAD 0.00001; gnomAD exomes 0.00002 and 0.00006.

Submissions (6):

Labcorp Genetics (formerly Invitae), Labcorp
Classification: Uncertain significance. Last evaluated: 2025-12-03. Review status: criteria provided, single submitter. Criteria: Invitae Variant Classification Sherloc (09022015). Collection method: clinical testing. Allele origin: germline.
Comment: This sequence change replaces glycine, which is neutral and non-polar, with alanine, which is neutral and non-polar, at codon 250 of the COL9A2 protein (p.Gly250Ala). This variant is present in population databases (no rsID available, gnomAD 0.005%). This missense change has been observed in individual(s) with COL9A2-related conditions (PMID: 26566670). ClinVar contains an entry for this variant (Variation ID: 1498890). Invitae Evidence Modeling of protein sequence and biophysical properties (such as structural, functional, and spatial information, amino acid conservation, physicochemical variation, residue mobility, and thermodynamic stability) indicates that this missense variant is expected to disrupt COL9A2 protein function with a positive predictive value of 95%. In summary, the available evidence is currently insufficient to determine the role of this variant in disease. Therefore, it has been classified as a Variant of Uncertain Significance.

GeneDx
Classification: Uncertain significance. Last evaluated: 2025-10-24. Review status: criteria provided, single submitter. Criteria: GeneDx Variant Classification Process June 2021. Collection method: clinical testing. Allele origin: germline. Affected: yes.
Comment: Has not been previously published as pathogenic or benign in association with a connective tissue disorder to our knowledge; In silico analysis supports that this missense variant has a deleterious effect on protein structure/function; This variant is associated with the following publications: (PMID: 26566670)

PreventionGenetics, part of Exact Sciences
Classification: Uncertain significance for COL9A2-related condition. Last evaluated: 2025-10-22. Review status: criteria provided, single submitter. Criteria: ACMG Guidelines, 2015. Collection method: clinical testing. Allele origin: germline.
Comment: The COL9A2 c.749G>C variant is predicted to result in the amino acid substitution p.Gly250Ala. This variant was documented in an individual with adolescent idiopathic scoliosis (Supplementary Table 3 in Haller et al. 2016. PubMed ID: 26566670). This variant is reported in 0.0046% of alleles in individuals of European (Non-Finnish) descent in gnomAD. This variant impacts a glycine residue within the collagen triple helical domain; however, glycine changes have not been established as a mechanism of COL9A2-related disease. At this time, the clinical significance of this variant is uncertain due to the absence of conclusive functional and genetic evidence.

Blueprint Genetics
Classification: Uncertain significance. Last evaluated: 2024-06-13. Review status: criteria provided, single submitter. Criteria: ACMG Guidelines, 2015. Collection method: clinical testing. Allele origin: germline.

Department of Pathology and Laboratory Medicine, Sinai Health System
Classification: Uncertain significance for Stickler syndrome. Last evaluated: 2022-03-25. Review status: criteria provided, single submitter. Criteria: ACMG Guidelines, 2015. Collection method: research. Allele origin: germline.

Fulgent Genetics
Classification: Uncertain significance for Epiphyseal dysplasia, multiple, 2; Stickler syndrome, type 5. Last evaluated: 2021-08-20. Review status: criteria provided, single submitter. Criteria: ACMG Guidelines, 2015. Collection method: clinical testing. Allele origin: unknown.

Literature cited by the submitters: PubMed 26566670 (cited by Labcorp Genetics (formerly Invitae), Labcorp).

NM_001852.4(COL9A2):c.749G>C (p.Gly250Ala)

Gene: COL9A2 (collagen type IX alpha 2 chain; minus strand). Cytogenetic location: 1p34.2.
Variant type: single nucleotide variant.
Coding change: c.749G>C on transcript NM_001852.4 (MANE Select); coding-DNA position 749, G replaced by C.
Protein change: p.Gly250Ala; replaces glycine 250 with alanine.
Molecular consequence: missense variant.
Genome position (GRCh38, 1-based): chr1:40,310,154, C>G on the plus strand (G>C on the coding strand, the complement: COL9A2 is on the minus strand). VCF-style: chr1-40310154-C-G. GRCh37 (hg19) VCF-style: chr1-40775826-C-G.
Other names: short protein forms G250A.
Identifiers: ClinVar variation 1498890 (VCV001498890.13), dbSNP rs1202213496, ClinGen allele CA339853999.
Genomic context (GRCh38, chr1:40,310,154, plus strand): 5'-AGCAAAAAGAGGCTTACCGGTGGCCCAGTGGCACCGATAGCGCCCACCATGCCTTTATAT[C>G]CATGAGGGCCCTGGGGAGAGGAAAGGGTTGCAGGTCAGTCCTGGCTGAACTCCAGGGGCC-3'
Protein context (NP_001843.1, residues 240-260): AGPKGETGPH[Gly250Ala]YKGMVGAIGA